The following is an entry in ClinVar:

NC_000011.9:g.(?_88027174)_(89018142_?)dup

Genes: CTSC (cathepsin C; minus strand), GRM5 (glutamate metabotropic receptor 5; minus strand), TYR (tyrosinase; plus strand). Cytogenetic location: 11q14.2-14.3.
Variant type: Duplication.
Identifiers: ClinVar variation 2424249 (VCV002424249.3).

ClinVar aggregate classification (germline): Uncertain significance (1 of 4 stars; one submission).

Conditions:
Periodontitis, aggressive. Identifiers: MedGen C0031106, MONDO:0980757.
Haim-Munk syndrome (HMS). Also called: COCHIN JEWISH DISORDER; KERATOSIS PALMOPLANTARIS WITH PERIODONTOPATHIA AND ONYCHOGRYPOSIS. Identifiers: Orphanet 2342, MedGen C1855627, MONDO:0009491, OMIM 245010.
Papillon-Lefèvre syndrome (PALS). Also called: KERATOSIS PALMOPLANTARIS WITH PERIODONTOPATHIA; Papillon-Lefevre Disease. Identifiers: Orphanet 678, MedGen C0030360, MONDO:0009490, OMIM 245000.

Submission:

Labcorp Genetics (formerly Invitae), Labcorp
Classification: Uncertain significance for Haim-Munk syndrome; Periodontitis, aggressive; Papillon-Lefèvre syndrome. Last evaluated: 2022-08-21. Review status: criteria provided, single submitter. Criteria: Invitae Variant Classification Sherloc (09022015). Collection method: clinical testing. Allele origin: germline.
Comment: A copy number gain of the genomic region encompassing the full coding sequence of the CTSC gene has been identified. The boundaries of this event are unknown as they extend beyond the assayed region for this gene and therefore may encompass additional genes. As the precise location of this event is unknown, it may be in tandem or it may be located elsewhere in the genome. This variant has not been reported in the literature in individuals affected with CTSC-related conditions. Experimental studies and prediction algorithms are not available or were not evaluated, and the functional significance of this variant is currently unknown. In summary, the available evidence is currently insufficient to determine the role of this variant in disease. Therefore, it has been classified as a Variant of Uncertain Significance.